The following is an entry in ClinVar:

ClinVar aggregate classification (germline): Uncertain significance (1 of 4 stars; one submission).

Conditions:
Cohen syndrome (COH1). Also called: Cutis verticis gyrata, retinitis pigmentosa, and sensorineural deafness; PEPPER SYNDROME. Identifiers: Orphanet 193, MedGen C0265223, MONDO:0008999, OMIM 216550.

Submission:

Labcorp Genetics (formerly Invitae), Labcorp
Classification: Uncertain significance for Cohen syndrome. Last evaluated: 2022-05-17. Review status: criteria provided, single submitter. Criteria: Invitae Variant Classification Sherloc (09022015). Collection method: clinical testing. Allele origin: germline.
Comment: This sequence change replaces valine, which is neutral and non-polar, with alanine, which is neutral and non-polar, at codon 3701 of the VPS13B protein (p.Val3701Ala). This variant is not present in population databases (gnomAD no frequency). In summary, the available evidence is currently insufficient to determine the role of this variant in disease. Therefore, it has been classified as a Variant of Uncertain Significance. Algorithms developed to predict the effect of missense changes on protein structure and function are either unavailable or do not agree on the potential impact of this missense change (SIFT: "Not Available"; PolyPhen-2: "Benign"; Align-GVGD: "Not Available"). This variant has not been reported in the literature in individuals affected with VPS13B-related conditions.

NM_152564.5(VPS13B):c.11027T>C (p.Val3676Ala)

Gene: VPS13B (vacuolar protein sorting 13 homolog B; plus strand). Cytogenetic location: 8q22.2.
Variant type: single nucleotide variant.
Coding change: c.11027T>C on transcript NM_152564.5 (MANE Select); coding-DNA position 11027, T replaced by C.
Protein change: p.Val3676Ala; replaces valine 3676 with alanine.
Molecular consequence: missense variant.
Genome position (GRCh38, 1-based): chr8:99,859,463, T>C. VCF-style: chr8-99859463-T-C. GRCh37 (hg19) VCF-style: chr8-100871691-T-C.
Other names: c.11102T>C, p.Val3701Ala (NM_017890.5); short protein forms V3701A, V3676A.
Identifiers: ClinVar variation 1995871 (VCV001995871.4), dbSNP rs2492278976, ClinGen allele CA371789510.